The following is an entry in ClinVar:

ClinVar aggregate classification (germline): Benign/Likely benign. Review status: criteria provided, multiple submitters, no conflicts (2 of 4 stars). 5 submissions from 5 submitters: Benign (2); Likely benign (3). Last evaluated 2026-01-06.

Conditions:
IMAGe syndrome. Also called: Intrauterine Growth Restriction, Metaphyseal Dysplasia, Adrenal Hypoplasia Congenita, and Genital Anomalies; Intrauterine growth retardation, metaphyseal dysplasia, adrenal hypoplasia congenita, and genital anomalies. Identifiers: Orphanet 85173, MedGen C1846009, MONDO:0013873, OMIM 614732.
Beckwith-Wiedemann syndrome (BWS). Also called: EMG SYNDROME; Exomphalos macroglossia gigantism syndrome. Identifiers: Orphanet 116, MedGen C0004903, MONDO:0007534, OMIM 130650.

Allele frequency attached by ClinVar (database versions not stated): gnomAD exomes 0.00013; ExAC 0.00028; TOPMed 0.00058; gnomAD 0.00062 and 0.00065; 1000 Genomes Project 0.00100; 1000 Genomes Project 30x 0.00109.

Submissions (5):

Labcorp Genetics (formerly Invitae), Labcorp
Classification: Benign for Beckwith-Wiedemann syndrome. Last evaluated: 2026-01-06. Review status: criteria provided, single submitter. Criteria: Invitae Variant Classification Sherloc (09022015). Collection method: clinical testing. Allele origin: germline.

Blueprint Genetics
Classification: Likely benign. Last evaluated: 2024-07-02. Review status: criteria provided, single submitter. Criteria: ACMG Guidelines, 2015. Collection method: clinical testing. Allele origin: germline.

CeGaT Center for Human Genetics Tuebingen
Classification: Likely benign. Last evaluated: 2023-10-01. Review status: criteria provided, single submitter. Criteria: CeGaT Center For Human Genetics Tuebingen Variant Classification Criteria Version 2. Collection method: clinical testing. Allele origin: germline. Affected: yes. Observed: 1 variant allele.
Comment: CDKN1C: BP4, BP7, BS1

Sema4
Classification: Likely benign for Beckwith-Wiedemann syndrome. Last evaluated: 2022-02-13. Review status: criteria provided, single submitter. Criteria: Sema4 Curation Guidelines. Collection method: curation. Allele origin: germline.

Fulgent Genetics
Classification: Benign for Beckwith-Wiedemann syndrome; IMAGe syndrome. Last evaluated: 2021-08-19. Review status: criteria provided, single submitter. Criteria: ACMG Guidelines, 2015. Collection method: clinical testing. Allele origin: unknown.

NM_001122630.2(CDKN1C):c.702G>A (p.Gly234=)

Gene: CDKN1C (cyclin dependent kinase inhibitor 1C; minus strand). Cytogenetic location: 11p15.4.
Variant type: single nucleotide variant.
Coding change: c.702G>A on transcript NM_001122630.2 (MANE Select); coding-DNA position 702, G replaced by A.
Protein change: p.Gly234=; no amino-acid change (glycine 234 retained).
Molecular consequence: synonymous variant. On other transcripts: intron variant (1).
Genome position (GRCh38, 1-based): chr11:2,884,755, C>T on the plus strand (G>A on the coding strand, the complement: CDKN1C is on the minus strand). VCF-style: chr11-2884755-C-T. GRCh37 (hg19) VCF-style: chr11-2905985-C-T.
Other names: c.735G>A, p.Gly245= (LRG_533t1, NM_000076.2, NM_001362474.2); c.702G>A, p.Gly234= (NM_001122631.2); c.255+447G>A (NM_001362475.2).
Identifiers: ClinVar variation 412851 (VCV000412851.39), dbSNP rs556682082, ClinGen allele CA5822183.